The following is an entry in ClinVar:

NM_003119.4(SPG7):c.1522C>T (p.Arg508Cys)

Gene: SPG7 (SPG7 matrix AAA peptidase subunit, paraplegin; plus strand). Cytogenetic location: 16q24.3.
Variant type: single nucleotide variant.
Coding change: c.1522C>T on transcript NM_003119.4 (MANE Select); coding-DNA position 1522, C replaced by T.
Protein change: p.Arg508Cys; replaces arginine 508 with cysteine.
Molecular consequence: missense variant.
Genome position (GRCh38, 1-based): chr16:89,546,730, C>T. VCF-style: chr16-89546730-C-T. GRCh37 (hg19) VCF-style: chr16-89613138-C-T.
Other names: c.1522C>T, p.Arg508Cys (NM_001363850.1); short protein forms R508C.
Identifiers: ClinVar variation 3256958 (VCV003256958.17).

ClinVar aggregate classification (germline): Uncertain significance (1 of 4 stars; one submission).

gnomAD v4.1: 5 of 1,613,218 alleles (0.00031%); highest among the groups gnomAD compares: South Asian, 0.0033%; no homozygotes.

Submission:

CeGaT Center for Human Genetics Tuebingen
Classification: Uncertain significance. Last evaluated: 2024-07-01. Review status: criteria provided, single submitter. Criteria: CeGaT Center For Human Genetics Tuebingen Variant Classification Criteria Version 2. Collection method: clinical testing. Allele origin: germline. Affected: yes. Observed: 1 variant allele.
Comment: SPG7: PM2, PM5